The following is an entry in ClinVar:

NM_001611.5(ACP5):c.755G>A (p.Gly252Asp)

Gene: ACP5 (acid phosphatase 5, tartrate resistant; minus strand). Cytogenetic location: 19p13.2.
Variant type: single nucleotide variant.
Coding change: c.755G>A on transcript NM_001611.5 (MANE Select); coding-DNA position 755, G replaced by A.
Protein change: p.Gly252Asp; replaces glycine 252 with aspartic acid.
Molecular consequence: missense variant.
Genome position (GRCh38, 1-based): chr19:11,575,233, C>T on the plus strand (G>A on the coding strand, the complement: ACP5 is on the minus strand). VCF-style: chr19-11575233-C-T. GRCh37 (hg19) VCF-style: chr19-11686048-C-T.
Other names: c.755G>A, p.Gly252Asp (NM_001111034.3, NM_001111035.3, NM_001111036.3 and 1 more transcripts); short protein forms G252D.
Identifiers: ClinVar variation 2138849 (VCV002138849.1), dbSNP rs776546224, ClinGen allele CA9215329.

ClinVar aggregate classification (germline): Uncertain significance (1 of 4 stars; one submission).

Conditions:
Spondyloenchondrodysplasia with immune dysregulation (SPENCDI). Also called: ROIFMAN IMMUNOSKELETAL SYNDROME; COMBINED IMMUNODEFICIENCY WITH AUTOIMMUNITY AND SPONDYLOMETAPHYSEAL DYSPLASIA; SPONDYLOENCHONDRODYSPLASIA WITH OR WITHOUT IMMUNE DYSREGULATION. Identifiers: Orphanet 1855, MedGen C1842763, MONDO:0011939, OMIM 607944.

Allele frequency attached by ClinVar (database versions not stated): gnomAD exomes below 0.00001; ExAC 0.00001.
gnomAD v4.1: 6 of 1,613,794 alleles (0.00037%); highest among the groups gnomAD compares: South Asian, 0.0033%; no homozygotes.

Submission:

Labcorp Genetics (formerly Invitae), Labcorp
Classification: Uncertain significance for Spondyloenchondrodysplasia with immune dysregulation. Last evaluated: 2022-05-20. Review status: criteria provided, single submitter. Criteria: Invitae Variant Classification Sherloc (09022015). Collection method: clinical testing. Allele origin: germline.
Comment: This sequence change replaces glycine, which is neutral and non-polar, with aspartic acid, which is acidic and polar, at codon 252 of the ACP5 protein (p.Gly252Asp). This variant is present in population databases (rs776546224, gnomAD 0.003%). This variant has not been reported in the literature in individuals affected with ACP5-related conditions. Algorithms developed to predict the effect of missense changes on protein structure and function are either unavailable or do not agree on the potential impact of this missense change (SIFT: "Not Available"; PolyPhen-2: "Benign"; Align-GVGD: "Not Available"). In summary, the available evidence is currently insufficient to determine the role of this variant in disease. Therefore, it has been classified as a Variant of Uncertain Significance.